The following is an entry in ClinVar:

ClinVar aggregate classification (germline): Likely pathogenic (1 of 4 stars; one submission).

Submission:

CeGaT Center for Human Genetics Tuebingen
Classification: Likely pathogenic. Last evaluated: 2025-03-01. Review status: criteria provided, single submitter. Criteria: CeGaT Center For Human Genetics Tuebingen Variant Classification Criteria Version 2. Collection method: clinical testing. Allele origin: germline. Affected: yes. Observed: 3 variant alleles.
Comment: CREBBP: PM1, PM2, PP2, PP3

NM_004380.3(CREBBP):c.5102A>G (p.Asp1701Gly)

Gene: CREBBP (CREB binding lysine acetyltransferase; minus strand). Cytogenetic location: 16p13.3.
Variant type: single nucleotide variant.
Coding change: c.5102A>G on transcript NM_004380.3 (MANE Select); coding-DNA position 5102, A replaced by G.
Protein change: p.Asp1701Gly; replaces aspartic acid 1701 with glycine.
Molecular consequence: missense variant.
Genome position (GRCh38, 1-based): chr16:3,731,262, T>C on the plus strand (A>G on the coding strand, the complement: CREBBP is on the minus strand). VCF-style: chr16-3731262-T-C. GRCh37 (hg19) VCF-style: chr16-3781263-T-C.
Other names: c.4988A>G, p.Asp1663Gly (NM_001079846.1); short protein forms D1663G, D1701G.
Identifiers: ClinVar variation 3778517 (VCV003778517.7).
Genomic context (GRCh38, chr16:3,731,262, plus strand): 5'-GTGCAGTGCCAGCGCGTCTCCACGTGGTGCTTGCACTCGTTGCAGGTGTAGACAAAGCGG[T>C]CCTGGCCCTGGGTGTGCAGCTCCACCAGCATGCAGAGCGTGGACCACTTGGAGCGGCGCA-3'
Protein context (NP_004371.2, residues 1691-1711): MLVELHTQGQ[Asp1701Gly]RFVYTCNECK